The following is an entry in ClinVar:

NM_000098.3(CPT2):c.320_321del (p.Lys107fs)

Gene: CPT2 (carnitine palmitoyltransferase 2; plus strand). Cytogenetic location: 1p32.3.
Variant type: Deletion.
Coding change: c.320_321del on transcript NM_000098.3 (MANE Select); coding-DNA positions 320 to 321, 2 bases deleted (AA; older notation c.320_321delAA).
Protein change: p.Lys107fs; shifts the reading frame from lysine 107.
Molecular consequence: frameshift variant.
Genome position (GRCh38, 1-based): chr1:53,202,409-53,202,410, AA deleted; deleting any 2 consecutive bases within chr1:53,202,408-53,202,410 gives the same sequence; the c. name uses the placement nearest the transcript's 3' end. VCF-style (leftmost placement, unchanged base first): chr1-53202407-TAA-T. GRCh37 (hg19) VCF-style: chr1-53668079-TAA-T.
Other names: c.320_321del, p.Lys107fs (NM_001330589.2); short protein forms K107fs.
Identifiers: ClinVar variation 1373083 (VCV001373083.6), dbSNP rs2100261898, ClinGen allele CA2573132418.

ClinVar aggregate classification (germline): Pathogenic (1 of 4 stars; one submission).

Conditions:
Carnitine palmitoyltransferase II deficiency. Also called: Carnitine Palmitoyltransferase 2 Deficiency. Identifiers: Orphanet 157, MedGen C0342790, MONDO:0015515.

Submission:

Labcorp Genetics (formerly Invitae), Labcorp
Classification: Pathogenic for Carnitine palmitoyltransferase II deficiency. Last evaluated: 2022-07-25. Review status: criteria provided, single submitter. Criteria: Invitae Variant Classification Sherloc (09022015). Collection method: clinical testing. Allele origin: germline.
Comment: For these reasons, this variant has been classified as Pathogenic. ClinVar contains an entry for this variant (Variation ID: 1373083). This variant has not been reported in the literature in individuals affected with CPT2-related conditions. This variant is not present in population databases (gnomAD no frequency). This sequence change creates a premature translational stop signal (p.Lys107Thrfs*11) in the CPT2 gene. It is expected to result in an absent or disrupted protein product. Loss-of-function variants in CPT2 are known to be pathogenic (PMID: 16781677, 16996287).

Literature cited by the submitters: PubMed 16781677; PubMed 16996287.